The following is an entry in ClinVar:

ClinVar aggregate classification (germline): Uncertain significance. Review status: criteria provided, multiple submitters, no conflicts (2 of 4 stars). 3 submissions from 3 submitters: Uncertain significance (2). 1 of the submissions does not count toward it. Last evaluated 2024-01-30.

Conditions:
Menkes kinky-hair syndrome (MNK). Also called: Menkes Disease; Copper transport disease; Classic Menkes Disease. Identifiers: Orphanet 565, MedGen C0022716, MONDO:0010651, OMIM 309400.
Cutis laxa, X-linked (OHS). Also called: EDS IX; Occipital horn syndrome. Identifiers: Orphanet 198, MedGen C0268353, MONDO:0010572, OMIM 304150.
X-linked distal spinal muscular atrophy type 3. Also called: ATP7A-Related Distal Motor Neuropathy; NEURONOPATHY, DISTAL HEREDITARY MOTOR, X-LINKED; NEUROPATHY, DISTAL HEREDITARY MOTOR, X-LINKED; SPINAL MUSCULAR ATROPHY, DISTAL, X-LINKED RECESSIVE. Identifiers: Orphanet 139557, MedGen C1845359, MONDO:0010338, OMIM 300489.

Allele frequency attached by ClinVar (database versions not stated): TOPMed 0.00001; gnomAD 0.00003.
gnomAD v4.1: 19 of 1,209,553 alleles (0.0016%); highest among the groups gnomAD compares: Non-Finnish European, 0.002%; no homozygotes.

Submissions (3):

GeneDx
Classification: Uncertain significance. Last evaluated: 2024-01-30. Review status: criteria provided, single submitter. Criteria: GeneDx Variant Classification Process June 2021. Collection method: clinical testing. Allele origin: germline. Affected: yes.
Comment: Has not been previously published as pathogenic or benign to our knowledge; Not observed at significant frequency in large population cohorts (gnomAD); In silico analysis supports that this missense variant does not alter protein structure/function

Labcorp Genetics (formerly Invitae), Labcorp
Classification: Uncertain significance for X-linked distal spinal muscular atrophy type 3; Cutis laxa, X-linked; Menkes kinky-hair syndrome. Last evaluated: 2022-05-24. Review status: criteria provided, single submitter. Criteria: Invitae Variant Classification Sherloc (09022015). Collection method: clinical testing. Allele origin: germline.
Comment: This sequence change replaces valine, which is neutral and non-polar, with phenylalanine, which is neutral and non-polar, at codon 1457 of the ATP7A protein (p.Val1457Phe). This variant is not present in population databases (gnomAD no frequency). This variant has not been reported in the literature in individuals affected with ATP7A-related conditions. ClinVar contains an entry for this variant (Variation ID: 960020). Advanced modeling of protein sequence and biophysical properties (such as structural, functional, and spatial information, amino acid conservation, physicochemical variation, residue mobility, and thermodynamic stability) performed at Invitae indicates that this missense variant is not expected to disrupt ATP7A protein function. In summary, the available evidence is currently insufficient to determine the role of this variant in disease. Therefore, it has been classified as a Variant of Uncertain Significance.

Natera, Inc.
Classification: Uncertain significance for Menkes kinky hair syndrome. Last evaluated: 2021-09-17. Review status: no assertion criteria provided. Collection method: clinical testing. Allele origin: germline. Not counted in ClinVar's aggregate classification.

NM_000052.7(ATP7A):c.4369G>T (p.Val1457Phe)

Gene: ATP7A (ATPase copper transporting alpha; plus strand). Cytogenetic location: Xq21.1.
Variant type: single nucleotide variant.
Coding change: c.4369G>T on transcript NM_000052.7 (MANE Select); coding-DNA position 4369, G replaced by T.
Protein change: p.Val1457Phe; replaces valine 1457 with phenylalanine.
Molecular consequence: missense variant. On other transcripts: non-coding transcript variant (1).
Genome position (GRCh38, 1-based): chrX:78,046,436, G>T. VCF-style: chrX-78046436-G-T. GRCh37 (hg19) VCF-style: chrX-77301933-G-T.
Other names: c.4135G>T, p.Val1379Phe (NM_001282224.2); c.4369G>T (NM_000052.4); short protein forms V1379F, V1457F.
Identifiers: ClinVar variation 960020 (VCV000960020.7), dbSNP rs1189381967, ClinGen allele CA413606269.
Genomic context (GRCh38, chrX:78,046,436, plus strand): 5'-CATGTTGGAATAGATGATACCTCAAGGAATTCTCCTAAACTGGGTTTGCTGGACCGGATT[G>T]TTAATTATAGCAGAGCCTCTATAAACTCACTACTGTCTGATAAACGCTCCCTAAACAGTG-3'
Protein context (NP_000043.4, residues 1447-1467): SPKLGLLDRI[Val1457Phe]NYSRASINSL